The following is an entry in ClinVar:

ClinVar aggregate classification (germline): Uncertain significance (1 of 4 stars; one submission).

Allele frequency attached by ClinVar (database versions not stated): TOPMed 0.00009; gnomAD 0.00013; ESP Exome Variant Server 0.00015; 1000 Genomes Project 30x 0.00078; 1000 Genomes Project 0.00100.
gnomAD v4.1: 32 of 1,612,628 alleles (0.002%); highest among the groups gnomAD compares: African/African-American, 0.041%; no homozygotes.

Submission:

Labcorp Genetics (formerly Invitae), Labcorp
Classification: Uncertain significance. Last evaluated: 2024-10-24. Review status: criteria provided, single submitter. Criteria: Invitae Variant Classification Sherloc (09022015). Collection method: clinical testing. Allele origin: germline.
Comment: This sequence change replaces alanine, which is neutral and non-polar, with serine, which is neutral and polar, at codon 731 of the ERCC6 protein (p.Ala731Ser). This variant is present in population databases (rs114423177, gnomAD 0.04%). This variant has not been reported in the literature in individuals affected with ERCC6-related conditions. ClinVar contains an entry for this variant (Variation ID: 2160126). Invitae Evidence Modeling of protein sequence and biophysical properties (such as structural, functional, and spatial information, amino acid conservation, physicochemical variation, residue mobility, and thermodynamic stability) indicates that this missense variant is not expected to disrupt ERCC6 protein function with a negative predictive value of 80%. In summary, the available evidence is currently insufficient to determine the role of this variant in disease. Therefore, it has been classified as a Variant of Uncertain Significance.

NM_000124.4(ERCC6):c.2191G>T (p.Ala731Ser)

Gene: ERCC6 (ERCC excision repair 6, chromatin remodeling factor; minus strand). Cytogenetic location: 10q11.23.
Variant type: single nucleotide variant.
Coding change: c.2191G>T on transcript NM_000124.4 (MANE Select); coding-DNA position 2191, G replaced by T.
Protein change: p.Ala731Ser; replaces alanine 731 with serine.
Molecular consequence: missense variant.
Genome position (GRCh38, 1-based): chr10:49,478,449, C>A on the plus strand (G>T on the coding strand, the complement: ERCC6 is on the minus strand). VCF-style: chr10-49478449-C-A. GRCh37 (hg19) VCF-style: chr10-50686495-C-A.
Other names: c.2191G>T, p.Ala731Ser (NM_001346440.2); short protein forms A731S.
Identifiers: ClinVar variation 2160126 (VCV002160126.2), dbSNP rs114423177, ClinGen allele CA5495732.